The following is an entry in ClinVar:

NM_032043.3(BRIP1):c.3698A>G (p.Asn1233Ser)

Gene: BRIP1 (BRCA1 interacting DNA helicase 1; minus strand). Cytogenetic location: 17q23.2.
Variant type: single nucleotide variant.
Coding change: c.3698A>G on transcript NM_032043.3 (MANE Select); coding-DNA position 3698, A replaced by G.
Protein change: p.Asn1233Ser; replaces asparagine 1233 with serine.
Molecular consequence: missense variant.
Genome position (GRCh38, 1-based): chr17:61,683,348, T>C on the plus strand (A>G on the coding strand, the complement: BRIP1 is on the minus strand). VCF-style: chr17-61683348-T-C. GRCh37 (hg19) VCF-style: chr17-59760709-T-C.
Other names: short protein forms N1233S.
Identifiers: ClinVar variation 2954422 (VCV002954422.3), dbSNP rs2544551934, ClinGen allele CA400477797.

ClinVar aggregate classification (germline): Uncertain significance (1 of 4 stars; one submission).

Conditions:
Familial cancer of breast. Also called: BREAST CANCER, FAMILIAL; hereditary breast carcinoma; Hereditary breast cancer. Identifiers: Orphanet 227535, MedGen C0346153, MONDO:0016419, OMIM 114480. Disease mechanism: loss of function.
Fanconi anemia complementation group J. Also called: BRIP1-Related Fanconi Anemia. Identifiers: Orphanet 84, MedGen C1836860, MONDO:0012187, OMIM 609054.

Submission:

Labcorp Genetics (formerly Invitae), Labcorp
Classification: Uncertain significance for Familial cancer of breast; Fanconi anemia complementation group J. Last evaluated: 2023-12-04. Review status: criteria provided, single submitter. Criteria: Invitae Variant Classification Sherloc (09022015). Collection method: clinical testing. Allele origin: germline.
Comment: This sequence change replaces asparagine, which is neutral and polar, with serine, which is neutral and polar, at codon 1233 of the BRIP1 protein (p.Asn1233Ser). This variant is not present in population databases (gnomAD no frequency). This variant has not been reported in the literature in individuals affected with BRIP1-related conditions. An algorithm developed to predict the effect of missense changes on protein structure and function (PolyPhen-2) suggests that this variant is likely to be tolerated. In summary, the available evidence is currently insufficient to determine the role of this variant in disease. Therefore, it has been classified as a Variant of Uncertain Significance.